The following is an entry in ClinVar:

NM_182972.3(IRF2BP2):c.74C>G (p.Pro25Arg)

Gene: IRF2BP2 (interferon regulatory factor 2 binding protein 2; minus strand). Cytogenetic location: 1q42.3.
Variant type: single nucleotide variant.
Coding change: c.74C>G on transcript NM_182972.3 (MANE Select); coding-DNA position 74, C replaced by G.
Protein change: p.Pro25Arg; replaces proline 25 with arginine.
Molecular consequence: missense variant.
Genome position (GRCh38, 1-based): chr1:234,609,421, G>C on the plus strand (C>G on the coding strand, the complement: IRF2BP2 is on the minus strand). VCF-style: chr1-234609421-G-C. GRCh37 (hg19) VCF-style: chr1-234745167-G-C.
Other names: c.74C>G, p.Pro25Arg (NM_001077397.1); short protein forms P25R.
Identifiers: ClinVar variation 2901010 (VCV002901010.3), dbSNP rs2528524615, ClinGen allele CA345312063.
Genomic context (GRCh38, chr1:234,609,421, plus strand): 5'-CCCTCGTAGTTGACGCAGCCGCGGCAGACGGGTTCGGTGAAGTCCCAGATCATGGCCCAG[G>C]GCATGCGGGGCAGGTCACACAGGTAGCACGACTGCCGCCGGGACGCGGCCGCCACCGCCA-3'
Protein context (NP_892017.2, residues 15-35): SCYLCDLPRM[Pro25Arg]WAMIWDFTEP

ClinVar aggregate classification (germline): Uncertain significance (1 of 4 stars; one submission).

Submission:

Labcorp Genetics (formerly Invitae), Labcorp
Classification: Uncertain significance. Last evaluated: 2025-04-10. Review status: criteria provided, single submitter. Criteria: Invitae Variant Classification Sherloc (09022015). Collection method: clinical testing. Allele origin: germline.
Comment: This sequence change replaces proline, which is neutral and non-polar, with arginine, which is basic and polar, at codon 25 of the IRF2BP2 protein (p.Pro25Arg). This variant is not present in population databases (gnomAD no frequency). This variant has not been reported in the literature in individuals affected with IRF2BP2-related conditions. ClinVar contains an entry for this variant (Variation ID: 2901010). An algorithm developed to predict the effect of missense changes on protein structure and function (PolyPhen-2) suggests that this variant is likely to be disruptive. In summary, the available evidence is currently insufficient to determine the role of this variant in disease. Therefore, it has been classified as a Variant of Uncertain Significance.